The following is an entry in ClinVar:

NM_000194.3(HPRT1):c.266_269del (p.Ser89fs)

Gene: HPRT1 (hypoxanthine phosphoribosyltransferase 1; plus strand). Cytogenetic location: Xq26.2.
Variant type: Deletion.
Coding change: c.266_269del on transcript NM_000194.3 (MANE Select); coding-DNA positions 266 to 269, 4 bases deleted (GTGA; older notation c.266_269delGTGA).
Protein change: p.Ser89fs; shifts the reading frame from serine 89.
Molecular consequence: frameshift variant.
Genome position (GRCh38, 1-based): chrX:134,475,312-134,475,315, GTGA deleted; deleting any 4 consecutive bases within chrX:134,475,311-134,475,315 gives the same sequence; the c. name uses the placement nearest the transcript's 3' end. VCF-style (leftmost placement, unchanged base first): chrX-134475310-TAGTG-T. GRCh37 (hg19) VCF-style: chrX-133609340-TAGTG-T.
Other names: short protein forms S89fs.
Identifiers: ClinVar variation 279966 (VCV000279966.2), dbSNP rs886041288, ClinGen allele CA10603597.
Genomic context (GRCh38, chrX:134,475,310, plus strand): 5'-CAAGGGGGGCTATAAATTCTTTGCTGACCTGCTGGATTACATCAAAGCACTGAATAGAAA[TAGTG>T]ATAGATCCATTCCTATGACTGTAGATTTTATCAGACTGAAGAGCTATTGTGTGAGTATAT-3'

ClinVar aggregate classification (germline): Pathogenic (1 of 4 stars; one submission).

Submission:

GeneDx
Classification: Pathogenic. Last evaluated: 2016-08-16. Review status: criteria provided, single submitter. Criteria: GeneDx Variant Classification (06012015). Collection method: clinical testing. Allele origin: germline. Affected: yes.
Comment: The c.266_269delGTGA pathogenic variant in the HPRT1 gene has not been reported previously as a pathogenic variant, nor as a benign variant, to our knowledge. The c.266_269delGTGA variant causes a frameshift starting with codon Serine 89, changes this amino acid to an Isoleucine residue, and creates a premature Stop codon at position 6 of the new reading frame, denoted p.Ser89IlefsX6. This variant is predicted to cause loss of normal protein function either through protein truncation or nonsense-mediated mRNA decay. The c.266_269delGTGA variant was not observed in approximately 6,500 individuals of European and African American ancestry in the NHLBI Exome Sequencing Project, indicating it is not a common benign variant in these populations. We interpret c.266_269delGTGA as a pathogenic variant.